The following is an entry in ClinVar:

NM_015272.5(RPGRIP1L):c.1150C>G (p.Gln384Glu)

Gene: RPGRIP1L (RPGRIP1 like; minus strand). Cytogenetic location: 16q12.2.
Variant type: single nucleotide variant.
Coding change: c.1150C>G on transcript NM_015272.5 (MANE Select); coding-DNA position 1150, C replaced by G.
Protein change: p.Gln384Glu; replaces glutamine 384 with glutamic acid.
Molecular consequence: missense variant.
Genome position (GRCh38, 1-based): chr16:53,664,963, G>C on the plus strand (C>G on the coding strand, the complement: RPGRIP1L is on the minus strand). VCF-style: chr16-53664963-G-C. GRCh37 (hg19) VCF-style: chr16-53698875-G-C.
Other names: c.1150C>G, p.Gln384Glu (NM_001127897.4, NM_001308334.3, NM_001330538.2); short protein forms Q384E.
Identifiers: ClinVar variation 1461742 (VCV001461742.7), dbSNP rs1968112121, ClinGen allele CA395921654.

ClinVar aggregate classification (germline): Uncertain significance. Review status: criteria provided, multiple submitters, no conflicts (2 of 4 stars). 2 submissions from 2 submitters: Uncertain significance (2). Last evaluated 2024-09-21.

Conditions:
Meckel-Gruber syndrome. Also called: Dysencephalia splachnocystica; DYSENCEPHALIA SPLANCHNOCYSTICA; GRUBER SYNDROME. Identifiers: Orphanet 564, MedGen C0265215, MONDO:0018921.
Joubert syndrome. Also called: Familial aplasia of the vermis; JOUBERT-BOLTSHAUSER SYNDROME. Identifiers: Orphanet 475, MedGen C5979921, MONDO:0018772.

Allele frequency attached by ClinVar (database versions not stated): gnomAD 0.00001; TOPMed 0.00001.
gnomAD v4.1: 4 of 1,613,464 alleles (0.00025%); highest among the groups gnomAD compares: Non-Finnish European, 0.00034%; no homozygotes.

Submissions (2):

Blueprint Genetics
Classification: Uncertain significance. Last evaluated: 2024-09-21. Review status: criteria provided, single submitter. Criteria: ACMG Guidelines, 2015. Collection method: clinical testing. Allele origin: germline.

Labcorp Genetics (formerly Invitae), Labcorp
Classification: Uncertain significance for Joubert syndrome; Meckel-Gruber syndrome. Last evaluated: 2022-10-13. Review status: criteria provided, single submitter. Criteria: Invitae Variant Classification Sherloc (09022015). Collection method: clinical testing. Allele origin: germline.
Comment: In summary, the available evidence is currently insufficient to determine the role of this variant in disease. Therefore, it has been classified as a Variant of Uncertain Significance. Advanced modeling of protein sequence and biophysical properties (such as structural, functional, and spatial information, amino acid conservation, physicochemical variation, residue mobility, and thermodynamic stability) performed at Invitae indicates that this missense variant is not expected to disrupt RPGRIP1L protein function. ClinVar contains an entry for this variant (Variation ID: 1461742). This variant has not been reported in the literature in individuals affected with RPGRIP1L-related conditions. This variant is not present in population databases (gnomAD no frequency). This sequence change replaces glutamine, which is neutral and polar, with glutamic acid, which is acidic and polar, at codon 384 of the RPGRIP1L protein (p.Gln384Glu).